The following is an entry in ClinVar:

ClinVar aggregate classification (germline): Likely pathogenic (1 of 4 stars; one submission).

Conditions:
Neurofibromatosis, type 1 (NF1). Also called: Neurofibromatosis, type I; VON RECKLINGHAUSEN DISEASE; NEUROFIBROMATOSIS, TYPE I, SOMATIC; Peripheral type neurofibromatosis. Identifiers: Orphanet 636, MedGen C0027831, MONDO:0018975, OMIM 162200. Disease mechanism: loss of function.

Submission:

Labcorp Genetics (formerly Invitae), Labcorp
Classification: Likely pathogenic for Neurofibromatosis, type 1. Last evaluated: 2021-10-24. Review status: criteria provided, single submitter. Criteria: Invitae Variant Classification Sherloc (09022015). Collection method: clinical testing. Allele origin: germline.
Comment: Algorithms developed to predict the effect of sequence changes on RNA splicing suggest that this variant may disrupt the consensus splice site. This variant has not been reported in the literature in individuals affected with NF1-related conditions. This variant is not present in population databases (gnomAD no frequency). This sequence change affects an acceptor splice site in intron 48 of the NF1 gene. It is expected to disrupt RNA splicing. Variants that disrupt the donor or acceptor splice site typically lead to a loss of protein function (PMID: 16199547), and loss-of-function variants in NF1 are known to be pathogenic (PMID: 10712197, 23913538). In summary, the currently available evidence indicates that the variant is pathogenic, but additional data are needed to prove that conclusively. Therefore, this variant has been classified as Likely Pathogenic.

Literature cited by the submitters: PubMed 16199547; PubMed 10712197; PubMed 23913538.

NM_001042492.3(NF1):c.7322-1G>A

Gene: NF1 (neurofibromin 1; plus strand). Cytogenetic location: 17q11.2.
Variant type: single nucleotide variant.
Coding change: c.7322-1G>A on transcript NM_001042492.3 (MANE Select); the canonical splice acceptor site of the intron before coding-DNA position 7322, G replaced by A.
Molecular consequence: splice acceptor variant.
Genome position (GRCh38, 1-based): chr17:31,350,182, G>A. VCF-style: chr17-31350182-G-A. GRCh37 (hg19) VCF-style: chr17-29677200-G-A.
Other names: c.7259-1G>A (NM_000267.4).
Identifiers: ClinVar variation 1482428 (VCV001482428.6), dbSNP rs2070102904, ClinGen allele CA399016941.